The following is an entry in ClinVar:

ClinVar aggregate classification (germline): Uncertain significance. Review status: criteria provided, multiple submitters, no conflicts (2 of 4 stars). 2 submissions from 2 submitters: Uncertain significance (2). Last evaluated 2020-10-03.

Conditions:
Developmental and epileptic encephalopathy, 37 (DEE37). Also called: Epileptic encephalopathy, early infantile, 37. Identifiers: MedGen C4310770, MONDO:0014859, OMIM 616981.

Allele frequency attached by ClinVar (database versions not stated): gnomAD 0.00001; gnomAD exomes 0.00001; TOPMed 0.00001; 1000 Genomes Project 30x 0.00031.
gnomAD v4.1: 3 of 1,613,412 alleles (0.00019%); highest among the groups gnomAD compares: Non-Finnish European, 0.00025%; no homozygotes.

Submissions (2):

Labcorp Genetics (formerly Invitae), Labcorp
Classification: Uncertain significance for Developmental and epileptic encephalopathy, 37. Last evaluated: 2020-10-03. Review status: criteria provided, single submitter. Criteria: Invitae Variant Classification Sherloc (09022015). Collection method: clinical testing. Allele origin: germline.
Comment: This variant has not been reported in the literature in individuals with FRRS1L-related conditions. Algorithms developed to predict the effect of missense changes on protein structure and function are either unavailable or do not agree on the potential impact of this missense change (SIFT: "Tolerated"; PolyPhen-2: "Probably Damaging"; Align-GVGD: "Class C0"). In summary, the available evidence is currently insufficient to determine the role of this variant in disease. Therefore, it has been classified as a Variant of Uncertain Significance. This variant is not present in population databases (ExAC no frequency). This sequence change replaces cysteine with glycine at codon 213 of the FRRS1L protein (p.Cys213Gly). The cysteine residue is highly conserved and there is a large physicochemical difference between cysteine and glycine.

GeneDx
Classification: Uncertain significance. Last evaluated: 2019-04-29. Review status: criteria provided, single submitter. Criteria: GeneDx Variant Classification Process June 2021. Collection method: clinical testing. Allele origin: germline. Affected: yes.
Comment: Not observed at a significant frequency in large population cohorts (Lek et al., 2016); In silico analysis, which includes protein predictors and evolutionary conservation, supports a deleterious effect; Has not been previously published as pathogenic or benign to our knowledge

NM_014334.4(FRRS1L):c.484T>G (p.Cys162Gly)

Gene: FRRS1L (ferric chelate reductase 1 like; minus strand). Cytogenetic location: 9q31.3.
Variant type: single nucleotide variant.
Coding change: c.484T>G on transcript NM_014334.4 (MANE Select); coding-DNA position 484, T replaced by G.
Protein change: p.Cys162Gly; replaces cysteine 162 with glycine.
Molecular consequence: missense variant.
Genome position (GRCh38, 1-based): chr9:109,141,568, A>C on the plus strand (T>G on the coding strand, the complement: FRRS1L is on the minus strand). VCF-style: chr9-109141568-A-C. GRCh37 (hg19) VCF-style: chr9-111903848-A-C.
Other names: short protein forms C162G.
Identifiers: ClinVar variation 1002954 (VCV001002954.9), dbSNP rs1210638472, ClinGen allele CA374425276.